The following is an entry in ClinVar:

NM_175914.5(HNF4A):c.320C>A (p.Ala107Asp)

Gene: HNF4A (hepatocyte nuclear factor 4 alpha; plus strand). Cytogenetic location: 20q13.12.
Variant type: single nucleotide variant.
Coding change: c.320C>A on transcript NM_175914.5 (MANE Select); coding-DNA position 320, C replaced by A.
Protein change: p.Ala107Asp; replaces alanine 107 with aspartic acid.
Molecular consequence: missense variant.
Genome position (GRCh38, 1-based): chr20:44,413,694, C>A. VCF-style: chr20-44413694-C-A. GRCh37 (hg19) VCF-style: chr20-43042334-C-A.
Other names: NM_175914.5:c.320C>A; c.386C>A, p.Ala129Asp (NM_000457.6, NM_178849.3, NM_178850.3); c.320C>A, p.Ala107Asp (NM_001030003.3, NM_001030004.3); c.365C>A, p.Ala122Asp (NM_001258355.2); c.311C>A, p.Ala104Asp (NM_001287182.2, NM_001287183.2, NM_001287184.2); short protein forms A104D, A107D, A122D, A129D.
Identifiers: ClinVar variation 3068530 (VCV003068530.1), dbSNP rs1298896114, ClinGen allele CA409105356.

ClinVar aggregate classification (germline): Pathogenic (3 of 4 stars; one submission).

Conditions:
Monogenic diabetes. Identifiers: Orphanet 183625, MedGen C3888631, MONDO:0015967.

Allele frequency attached by ClinVar (database versions not stated): gnomAD exomes below 0.00001.
gnomAD v4.1: 1 of 1,612,876 alleles (0.000062%); highest among the groups gnomAD compares: Non-Finnish European, 0.000085%; no homozygotes.

Submission:

ClinGen Monogenic Diabetes Variant Curation Expert Panel
Classification: Pathogenic for Monogenic diabetes. Last evaluated: 2024-04-05. Review status: reviewed by expert panel. Criteria: ClinGen Diabetes ACMG Specifications HNF4A V2.0.0. Collection method: curation. Allele origin: germline. Inheritance: Autosomal dominant inheritance.
Comment: The c.320C>A variant in the hepatocyte nuclear factor 4-alpha gene, HNF4A, causes an amino acid change of alanine to aspartic acid at codon 107 (p.(Ala107Asp)) of NM_175914.5. This variant failed quality control metrics in gnomAD v2.1.1; however, it was absent in gnomAD genomes v3.1 and additional population databases and therefore PM2_Supporting will be applied per guidance of the ClinGen MDEP (PM2_Supporting). This variant was identified in four unrelated individuals with non-autoimmune and non-absolute/near-absolute insulin-deficient diabetes (PS4_Moderate; internal lab contributors). The variant segregated with diabetes, with at least 7 informative meioses in 3 families (PP1_Strong; internal lab contributors). One of these individuals has a clinical history highly specific for HNF4A-MODY (MODY probability calculator result >50%, negative genetic testing for HNF1A, and negative antibodies) (PP4_Moderate; internal lab contributor). This variant is located within the DNA binding domain (codons 37-113) of HNF4A, which is defined as critical for the protein’s function by the ClinGen MDEP (PM1_Supporting). It is also predicted to be deleterious by computational evidence, with a REVEL score of 0.938, which is greater than the MDEP VCEP threshold of 0.70 (PP3). In summary, c.320C>A meets the criteria to be classified as pathogenic for monogenic diabetes. ACMG/AMP criteria applied, as specified by the ClinGen MDEP (specification version 2.0.0, approved 10/11/23): PP1_Strong, PP4_Moderate, PS4_Moderate, PP3, PM1_Supporting, PM2_Supporting.